The following is an entry in ClinVar:

NM_003079.5(SMARCE1):c.248_249del (p.Gln83fs)

Gene: SMARCE1 (SWI/SNF related BAF chromatin remodeling complex subunit E1; minus strand). Cytogenetic location: 17q21.2.
Variant type: Deletion.
Coding change: c.248_249del on transcript NM_003079.5 (MANE Select); coding-DNA positions 248 to 249, 2 bases deleted (AA; older notation c.248_249delAA).
Protein change: p.Gln83fs; shifts the reading frame from glutamine 83.
Molecular consequence: frameshift variant.
Genome position (GRCh38, 1-based): chr17:40,636,515-40,636,516, TT deleted on the plus strand (AA on the coding strand, the reverse complement: SMARCE1 is on the minus strand). VCF-style (leftmost placement, unchanged base first): chr17-40636514-CTT-C. GRCh37 (hg19) VCF-style: chr17-38792766-CTT-C.
Other names: short protein forms Q83fs.
Identifiers: ClinVar variation 2626166 (VCV002626166.2), dbSNP rs2508604703, ClinGen allele CA2582342168.

ClinVar aggregate classification (germline): Pathogenic (1 of 4 stars; one submission).

Conditions:
Hereditary cancer-predisposing syndrome. Also called: Tumor predisposition; Hereditary Cancer Syndrome; Hereditary neoplastic syndrome; Neoplastic Syndromes, Hereditary. Identifiers: Orphanet 140162, MedGen C0027672, MeSH D009386, MONDO:0015356.

Submission:

Ambry Genetics
Classification: Pathogenic for Hereditary cancer-predisposing syndrome. Last evaluated: 2023-09-14. Review status: criteria provided, single submitter. Criteria: Ambry Variant Classification Scheme 2023. Collection method: clinical testing. Allele origin: germline.
Comment: The c.248_249delAA variant, located in coding exon 5 of the SMARCE1 gene, results from a deletion of two nucleotides at nucleotide positions 248 to 249, causing a translational frameshift with a predicted alternate stop codon (p.Q83Rfs*7). Loss-of-function variants in SMARCE1 are known to cause increased risk of meningiomas; however, such associations with neurodevelopmental disorders are exceedingly rare (Kosho T et al. Am J Med Genet C Semin Med Genet. 2014 Sep;166C(3):262-75; Smith JM et al. Nat Genet. 2013 Mar;45(3):295-8). This alteration is expected to result in loss of function by premature protein truncation or nonsense-mediated mRNA decay. Based on the supporting evidence, this alteration is pathogenic for an increased risk of meningiomas; however, the association of this alteration with Coffin-Siris syndrome is unlikely.